The following is an entry in ClinVar:

NM_000215.4(JAK3):c.2372C>G (p.Pro791Arg)

Gene: JAK3 (Janus kinase 3; minus strand). Cytogenetic location: 19p13.11.
Variant type: single nucleotide variant.
Coding change: c.2372C>G on transcript NM_000215.4 (MANE Select); coding-DNA position 2372, C replaced by G.
Protein change: p.Pro791Arg; replaces proline 791 with arginine.
Molecular consequence: missense variant.
Genome position (GRCh38, 1-based): chr19:17,832,908, G>C on the plus strand (C>G on the coding strand, the complement: JAK3 is on the minus strand). VCF-style: chr19-17832908-G-C. GRCh37 (hg19) VCF-style: chr19-17943717-G-C.
Other names: short protein forms P791R.
Identifiers: ClinVar variation 2637361 (VCV002637361.1), dbSNP rs1413703588, ClinGen allele CA404767033.

ClinVar aggregate classification (germline): Uncertain significance (1 of 4 stars; one submission).

Conditions:
JAK3-related disorder. Also called: JAK3-related condition.

Submission:

PreventionGenetics, part of Exact Sciences
Classification: Uncertain significance for JAK3-related condition. Last evaluated: 2022-10-09. Review status: criteria provided, single submitter. Criteria: ACMG Guidelines, 2015. Collection method: clinical testing. Allele origin: germline.
Comment: The JAK3 c.2372C>G variant is predicted to result in the amino acid substitution p.Pro791Arg. To our knowledge, this variant has not been reported in the literature or in a large population database, indicating this variant is rare. At this time, the clinical significance of this variant is uncertain due to the absence of conclusive functional and genetic evidence.